The following is an entry in ClinVar:

ClinVar aggregate classification (germline): Uncertain significance (1 of 4 stars; one submission).

Allele frequency attached by ClinVar (database versions not stated): gnomAD 0.00002; TOPMed 0.00002.
gnomAD v4.1: 15 of 1,613,720 alleles (0.00093%); highest among the groups gnomAD compares: African/African-American, 0.0013%; no homozygotes.

Submission:

Labcorp Genetics (formerly Invitae), Labcorp
Classification: Uncertain significance. Last evaluated: 2025-12-30. Review status: criteria provided, single submitter. Criteria: Invitae Variant Classification Sherloc (09022015). Collection method: clinical testing. Allele origin: germline.
Comment: This sequence change replaces arginine, which is basic and polar, with histidine, which is basic and polar, at codon 190 of the CTNNB1 protein (p.Arg190His). This variant is present in population databases (no rsID available, gnomAD 0.002%). This variant has not been reported in the literature in individuals affected with CTNNB1-related conditions. ClinVar contains an entry for this variant (Variation ID: 2177208). Invitae Evidence Modeling of protein sequence and biophysical properties (such as structural, functional, and spatial information, amino acid conservation, physicochemical variation, residue mobility, and thermodynamic stability) indicates that this missense variant is not expected to disrupt CTNNB1 protein function with a negative predictive value of 80%. In summary, the available evidence is currently insufficient to determine the role of this variant in disease. Therefore, it has been classified as a Variant of Uncertain Significance.

NM_001904.4(CTNNB1):c.569G>A (p.Arg190His)

Genes: CTNNB1 (catenin beta 1; plus strand), LOC126806658 (BRD4-independent group 4 enhancer GRCh37_chr3:41265899-41267098; plus strand). Cytogenetic location: 3p22.1.
Variant type: single nucleotide variant.
Coding change: c.569G>A on transcript NM_001904.4 (MANE Select); coding-DNA position 569, G replaced by A.
Protein change: p.Arg190His; replaces arginine 190 with histidine.
Molecular consequence: missense variant.
Genome position (GRCh38, 1-based): chr3:41,225,407, G>A. VCF-style: chr3-41225407-G-A. GRCh37 (hg19) VCF-style: chr3-41266898-G-A.
Other names: c.569G>A, p.Arg190His (NM_001098209.2, NM_001098210.2); c.548G>A, p.Arg183His (NM_001330729.2); short protein forms R183H, R190H.
Identifiers: ClinVar variation 2177208 (VCV002177208.4), dbSNP rs1172941347, ClinGen allele CA352229600.